The following is an entry in ClinVar:

NM_006662.3(SRCAP):c.8500G>A (p.Gly2834Arg)

Gene: SRCAP (Snf2 related CREBBP activator protein; plus strand). Cytogenetic location: 16p11.2.
Variant type: single nucleotide variant.
Coding change: c.8500G>A on transcript NM_006662.3 (MANE Select); coding-DNA position 8500, G replaced by A.
Protein change: p.Gly2834Arg; replaces glycine 2834 with arginine.
Molecular consequence: missense variant.
Genome position (GRCh38, 1-based): chr16:30,738,540, G>A. VCF-style: chr16-30738540-G-A. GRCh37 (hg19) VCF-style: chr16-30749861-G-A.
Other names: short protein forms G2834R.
Identifiers: ClinVar variation 318905 (VCV000318905.37), dbSNP rs146421389, ClinGen allele CA8012713.

ClinVar aggregate classification (germline): Conflicting classifications of pathogenicity. Review status: criteria provided, conflicting classifications (1 of 4 stars). 6 submissions from 6 submitters: Uncertain significance (3); Likely benign (3). Last evaluated 2026-05-13.

Conditions:
Inborn genetic diseases. Identifiers: MedGen C0950123, MeSH D030342.
Floating-Harbor syndrome (FLHS). Also called: SRCAP-Related Floating-Harbor Syndrome; Short stature with delayed bone age, expressive language delay, a triangular face with a prominent nose and deep-set eyes; Pelletier-Leisti syndrome. Identifiers: Orphanet 2044, MedGen C0729582, MONDO:0007621, OMIM 136140.

Allele frequency attached by ClinVar (database versions not stated): gnomAD 0.00014 and 0.00015; TOPMed 0.00015; ExAC 0.00018; gnomAD exomes 0.00019 and 0.00021; ESP Exome Variant Server 0.00031.
gnomAD v4.1: 304 of 1,611,930 alleles (0.019%); highest among the groups gnomAD compares: Non-Finnish European, 0.022%; no homozygotes.

Submissions (6):

Women's Health and Genetics/Laboratory Corporation of America, LabCorp
Classification: Uncertain significance. Last evaluated: 2026-05-13. Review status: criteria provided, single submitter. Criteria: LabCorp Variant Classification Summary - May 2015. Collection method: clinical testing. Allele origin: germline.

Labcorp Genetics (formerly Invitae), Labcorp
Classification: Uncertain significance. Last evaluated: 2025-10-09. Review status: criteria provided, single submitter. Criteria: Invitae Variant Classification Sherloc (09022015). Collection method: clinical testing. Allele origin: germline.
Comment: This sequence change replaces glycine, which is neutral and non-polar, with arginine, which is basic and polar, at codon 2834 of the SRCAP protein (p.Gly2834Arg). This variant is present in population databases (rs146421389, gnomAD 0.03%), and has an allele count higher than expected for a pathogenic variant. This variant has not been reported in the literature in individuals affected with SRCAP-related conditions. ClinVar contains an entry for this variant (Variation ID: 318905). Invitae Evidence Modeling of protein sequence and biophysical properties (such as structural, functional, and spatial information, amino acid conservation, physicochemical variation, residue mobility, and thermodynamic stability) indicates that this missense variant is not expected to disrupt SRCAP protein function with a negative predictive value of 80%. In summary, the available evidence is currently insufficient to determine the role of this variant in disease. Therefore, it has been classified as a Variant of Uncertain Significance.

CeGaT Center for Human Genetics Tuebingen
Classification: Likely benign. Last evaluated: 2025-09-01. Review status: criteria provided, single submitter. Criteria: CeGaT Center For Human Genetics Tuebingen Variant Classification Criteria Version 2. Collection method: clinical testing. Allele origin: germline. Affected: yes. Observed: 2 variant alleles.
Comment: SRCAP: BS2

GeneDx
Classification: Uncertain significance. Last evaluated: 2022-11-28. Review status: criteria provided, single submitter. Criteria: GeneDx Variant Classification Process June 2021. Collection method: clinical testing. Allele origin: germline. Affected: yes.
Comment: In silico analysis supports that this missense variant does not alter protein structure/function; Has not been previously published as pathogenic or benign to our knowledge; This variant is associated with the following publications: (PMID: 28719003, 26740555)

Ambry Genetics
Classification: Likely benign for Inborn genetic diseases. Last evaluated: 2022-01-26. Review status: criteria provided, single submitter. Criteria: Ambry Variant Classification Scheme 2023. Collection method: clinical testing. Allele origin: germline.

Mendelics
Classification: Likely benign for Floating-Harbor syndrome. Last evaluated: 2019-05-28. Review status: criteria provided, single submitter. Criteria: Mendelics Assertion Criteria 2017. Collection method: clinical testing. Allele origin: unknown.